The following is an entry in ClinVar:

NM_020366.4(RPGRIP1):c.1976A>G (p.Tyr659Cys)

Gene: RPGRIP1 (RPGR interacting protein 1; plus strand). Cytogenetic location: 14q11.2.
Variant type: single nucleotide variant.
Coding change: c.1976A>G on transcript NM_020366.4 (MANE Select); coding-DNA position 1976, A replaced by G.
Protein change: p.Tyr659Cys; replaces tyrosine 659 with cysteine.
Molecular consequence: missense variant. On other transcripts: intron variant (4).
Genome position (GRCh38, 1-based): chr14:21,324,831, A>G. VCF-style: chr14-21324831-A-G. GRCh37 (hg19) VCF-style: chr14-21792990-A-G.
Other names: c.902A>G, p.Tyr301Cys (NM_001377948.1); c.796+106A>G (NM_001377949.1); c.689-2792A>G (NM_001377523.1, NM_001377950.1); c.191-2792A>G (NM_001377951.1); short protein forms Y659C, Y301C.
Identifiers: ClinVar variation 449984 (VCV000449984.11), dbSNP rs1278572461, ClinGen allele CA388867426.

ClinVar aggregate classification (germline): Uncertain significance. Review status: criteria provided, multiple submitters, no conflicts (2 of 4 stars). 4 submissions from 3 submitters: Uncertain significance (4). Last evaluated 2021-11-07.

Conditions:
Cone-rod dystrophy 13 (CORD13). Identifiers: Orphanet 1872, MedGen C2750720, MONDO:0011987, OMIM 608194.
Leber congenital amaurosis 6 (LCA6). Identifiers: Orphanet 65, MedGen C1854260, MONDO:0013446, OMIM 613826.

Allele frequency attached by ClinVar (database versions not stated): gnomAD exomes below 0.00001; gnomAD 0.00001; TOPMed 0.00001.
gnomAD v4.1: 2 of 1,613,860 alleles (0.00012%); highest among the groups gnomAD compares: Non-Finnish European, 0.00017%; no homozygotes.

Submissions (4):

Genome-Nilou Lab
Classification: Uncertain significance for Leber congenital amaurosis 6. Last evaluated: 2021-11-07. Review status: criteria provided, single submitter. Criteria: ACMG Guidelines, 2015. Collection method: clinical testing. Allele origin: germline. Affected: no.

Genome-Nilou Lab
Classification: Uncertain significance for Cone-rod dystrophy 13. Last evaluated: 2021-11-07. Review status: criteria provided, single submitter. Criteria: ACMG Guidelines, 2015. Collection method: clinical testing. Allele origin: germline. Affected: no.

Labcorp Genetics (formerly Invitae), Labcorp
Classification: Uncertain significance for Leber congenital amaurosis 6; Cone-rod dystrophy 13. Last evaluated: 2020-09-09. Review status: criteria provided, single submitter. Criteria: Invitae Variant Classification Sherloc (09022015). Collection method: clinical testing. Allele origin: germline.
Comment: In summary, the available evidence is currently insufficient to determine the role of this variant in disease. Therefore, it has been classified as a Variant of Uncertain Significance. Algorithms developed to predict the effect of missense changes on protein structure and function (SIFT, PolyPhen-2, Align-GVGD) all suggest that this variant is likely to be disruptive, but these predictions have not been confirmed by published functional studies and their clinical significance is uncertain. This variant has not been reported in the literature in individuals with RPGRIP1-related conditions. ClinVar contains an entry for this variant (Variation ID: 449984). This variant is not present in population databases (ExAC no frequency). This sequence change replaces tyrosine with cysteine at codon 659 of the RPGRIP1 protein (p.Tyr659Cys). The tyrosine residue is highly conserved and there is a large physicochemical difference between tyrosine and cysteine.

GeneDx
Classification: Uncertain significance. Last evaluated: 2017-06-16. Review status: criteria provided, single submitter. Criteria: GeneDx Variant Classification (06012015). Collection method: clinical testing. Allele origin: germline. Affected: yes.
Comment: The Y659C variant in the RPGRIP1 gene has not been reported previously as a pathogenic variant, nor as a benign variant, to our knowledge. The Y659C variant is not observed in large population cohorts (Lek et al., 2016; 1000 Genomes Consortium et al., 2015; Exome Variant Server). The Y659C variant is a non-conservative amino acid substitution, which is likely to impact secondary protein structure as these residues differ in polarity, charge, size and/or other properties. This substitution occurs at a position that is conserved across species and in silico analysis predicts this variant is probably damaging to the protein structure/function. We interpret Y659C as a variant of uncertain significance.